The following is an entry in ClinVar:

ClinVar aggregate classification (germline): Uncertain significance (1 of 4 stars; one submission).

Conditions:
Malignant hyperthermia, susceptibility to, 1 (MHS1). Also called: Anesthesia related hyperthermia; Malignant hyperpyrexia; Fulminating hyperpyrexia; Pharmacogenic myopathy; RYR1-Related Malignant Hyperthermia Susceptibility; Malignant hyperthermia suceptibility 1. Identifiers: Orphanet 423, MedGen C2930980, MONDO:0007783, OMIM 145600.

Submission:

All of Us Research Program, National Institutes of Health
Classification: Uncertain significance for Malignant hyperthermia, susceptibility to, 1. Last evaluated: 2023-10-02. Review status: criteria provided, single submitter. Criteria: ACMG Guidelines, 2015. Collection method: clinical testing. Allele origin: germline. Inheritance: Autosomal dominant inheritance. Observed: 1 variant allele, 1 heterozygote.
Comment: This missense variant replaces glutamine with leucine at codon 2308 of the RYR1 protein. Computational prediction suggests that this variant may have deleterious impact on protein structure and function (internally defined REVEL score threshold >= 0.7, PMID: 27666373). To our knowledge, functional studies have not been reported for this variant. This variant has not been reported in individuals affected with RYR1-related disorders in the literature. This variant has not been identified in the general population by the Genome Aggregation Database (gnomAD). The available evidence is insufficient to determine the role of this variant in disease conclusively. Therefore, this variant is classified as a Variant of Uncertain Significance.

This study involves interpretation of variants in research participants for the purpose of population health screening. Participant phenotype was not available at the time of variant classification. Additional details can be found in publication PMID: 35346344, PMCID: PMC8962531

NM_000540.3(RYR1):c.6923A>T (p.Gln2308Leu)

Gene: RYR1 (ryanodine receptor 1; plus strand). Cytogenetic location: 19q13.2.
Variant type: single nucleotide variant.
Coding change: c.6923A>T on transcript NM_000540.3 (MANE Select); coding-DNA position 6923, A replaced by T.
Protein change: p.Gln2308Leu; replaces glutamine 2308 with leucine.
Molecular consequence: missense variant.
Genome position (GRCh38, 1-based): chr19:38,499,139, A>T. VCF-style: chr19-38499139-A-T. GRCh37 (hg19) VCF-style: chr19-38989779-A-T.
Other names: c.6923A>T, p.Gln2308Leu (NM_001042723.2); short protein forms Q2308L.
Identifiers: ClinVar variation 3073543 (VCV003073543.1), dbSNP rs2514308163, ClinGen allele CA405667171.